The following is an entry in ClinVar:

ClinVar aggregate classification (germline): Benign/Likely benign. Review status: criteria provided, multiple submitters, no conflicts (2 of 4 stars). 9 submissions from 8 submitters: Benign (6); Likely benign (3). Last evaluated 2025-10-29.

Conditions:
SYNE1-related disorder. Also called: SYNE1-related disease; SYNE1-related condition; SYNE1-related disorders.
Emery-Dreifuss muscular dystrophy 4, autosomal dominant (EDMD4). Also called: EMERY-DREIFUSS MUSCULAR DYSTROPHY 4 WITH VARIABLE FEATURES. Identifiers: Orphanet 261, MedGen C2751807, MONDO:0013071, OMIM 612998.
Autosomal recessive ataxia, Beauce type. Also called: SYNE1 Deficiency; SYNE1-Related Autosomal Recessive Cerebellar Ataxia; ATAXIA, RECESSIVE, OF BEAUCE; Spinocerebellar ataxia, autosomal recessive 8. Identifiers: Orphanet 88644, MedGen C1853116, MONDO:0012549, OMIM 610743.

Allele frequency attached by ClinVar (database versions not stated): gnomAD 0.00001 and 0.00038; TOPMed 0.00005; gnomAD exomes 0.00060 and 0.00122; ExAC 0.00152; 1000 Genomes Project 30x 0.00234; 1000 Genomes Project 0.00300.
gnomAD v4.1: 946 of 1,614,212 alleles (0.059%); highest among the groups gnomAD compares: South Asian, 0.98%; 10 homozygotes.

Submissions (9):

Labcorp Genetics (formerly Invitae), Labcorp
Classification: Benign for Emery-Dreifuss muscular dystrophy 4, autosomal dominant; Autosomal recessive ataxia, Beauce type. Last evaluated: 2025-10-29. Review status: criteria provided, single submitter. Criteria: Invitae Variant Classification Sherloc (09022015). Collection method: clinical testing. Allele origin: germline.

Athena Diagnostics
Classification: Benign. Last evaluated: 2025-08-05. Review status: criteria provided, single submitter. Criteria: Athena Diagnostics Criteria. Collection method: clinical testing. Allele origin: unknown.
Comment: The frequency of this variant in the general population is higher than would generally be expected for pathogenic variants in this gene.

PreventionGenetics, part of Exact Sciences
Classification: Benign for SYNE1-related condition. Last evaluated: 2025-05-13. Review status: criteria provided, single submitter. Criteria: ACMG Guidelines, 2015. Collection method: clinical testing. Allele origin: germline.
Comment: This variant is classified as benign based on ACMG/AMP sequence variant interpretation guidelines (Richards et al. 2015 PMID: 25741868, with internal and published modifications).

CeGaT Center for Human Genetics Tuebingen
Classification: Likely benign. Last evaluated: 2025-05-01. Review status: criteria provided, single submitter. Criteria: CeGaT Center For Human Genetics Tuebingen Variant Classification Criteria Version 2. Collection method: clinical testing. Allele origin: germline. Affected: yes. Observed: 2 variant alleles.
Comment: SYNE1: BP4, BP7

Blueprint Genetics
Classification: Likely benign. Last evaluated: 2024-10-04. Review status: criteria provided, single submitter. Criteria: ACMG Guidelines, 2015. Collection method: clinical testing. Allele origin: germline.

Illumina Laboratory Services, Illumina
Classification: Benign for Emery-Dreifuss muscular dystrophy 4, autosomal dominant. Last evaluated: 2018-01-13. Review status: criteria provided, single submitter. Criteria: ICSL Variant Classification Criteria 13 December 2019. Collection method: clinical testing. Allele origin: germline.
Comment: This variant was observed in the ICSL laboratory as part of a predisposition screen in an ostensibly healthy population. It had not been previously curated by ICSL or reported in the Human Gene Mutation Database (HGMD: prior to June 1st, 2018), and was therefore a candidate for classification through an automated scoring system. Utilizing variant allele frequency, disease prevalence and penetrance estimates, and inheritance mode, an automated score was calculated to assess if this variant is too frequent to cause the disease. Based on the score and internal cut-off values, a variant classified as benign is not then subjected to further curation. The score for this variant resulted in a classification of benign for this disease.

Illumina Laboratory Services, Illumina
Classification: Benign for Autosomal recessive ataxia, Beauce type. Last evaluated: 2018-01-13. Review status: criteria provided, single submitter. Criteria: ICSL Variant Classification Criteria 13 December 2019. Collection method: clinical testing. Allele origin: germline.
Comment: the same text as in the submission from Illumina Laboratory Services, Illumina above.

GeneDx
Classification: Likely benign. Last evaluated: 2016-11-11. Review status: criteria provided, single submitter. Criteria: GeneDx Variant Classification (06012015). Collection method: clinical testing. Allele origin: germline. Affected: yes.
Comment: This variant is considered likely benign or benign based on one or more of the following criteria: it is a conservative change, it occurs at a poorly conserved position in the protein, it is predicted to be benign by multiple in silico algorithms, and/or has population frequency not consistent with disease.

Eurofins Ntd Llc (ga)
Classification: Benign. Last evaluated: 2016-02-12. Review status: criteria provided, single submitter. Criteria: EGL Classification Definitions 2015. Collection method: clinical testing. Allele origin: germline. Observed: 1 variant allele, 1 heterozygote.

Literature cited by the submitters: PubMed 25356899 (cited by Athena Diagnostics).

NM_182961.4(SYNE1):c.11238A>G (p.Lys3746=)

Gene: SYNE1 (spectrin repeat containing nuclear envelope protein 1; minus strand). Cytogenetic location: 6q25.2.
Variant type: single nucleotide variant.
Coding change: c.11238A>G on transcript NM_182961.4 (MANE Select); coding-DNA position 11238, A replaced by G.
Protein change: p.Lys3746=; no amino-acid change (lysine 3746 retained).
Molecular consequence: synonymous variant.
Genome position (GRCh38, 1-based): chr6:152,353,278, T>C on the plus strand (A>G on the coding strand, the complement: SYNE1 is on the minus strand). VCF-style: chr6-152353278-T-C. GRCh37 (hg19) VCF-style: chr6-152674413-T-C.
Other names: c.11193A>G, p.Lys3731= (NM_033071.5).
Identifiers: ClinVar variation 286162 (VCV000286162.40), dbSNP rs149393972, ClinGen allele CA4056747.
Genomic context (GRCh38, chr6:152,353,278, plus strand): 5'-GGTGAACGGAAAGGTTGGATACAAATCTGAAGTATGCGTGCCTACCTCCAACGTCTTCAA[T>C]TTCTTCCCCATCATTACTGTATCTACTTTGTCAATCTTGGTAGCCACATTCTTGAAGTTT-3'
Protein context (NP_892006.3, residues 3736-3756): DKVDTVMMGK[Lys3746=]LKTLEVLLKD